The following is an entry in ClinVar:

ClinVar aggregate classification (germline): Pathogenic (1 of 4 stars; one submission).

Conditions:
Hereditary cancer-predisposing syndrome. Also called: Hereditary Cancer Syndrome; Hereditary neoplastic syndrome; Neoplastic Syndromes, Hereditary; Tumor predisposition. Identifiers: Orphanet 140162, MedGen C0027672, MeSH D009386, MONDO:0015356.

Submission:

Ambry Genetics
Classification: Pathogenic for Hereditary cancer-predisposing syndrome. Last evaluated: 2020-03-18. Review status: criteria provided, single submitter. Criteria: Ambry Variant Classification Scheme 2023. Collection method: clinical testing. Allele origin: germline.
Comment: The c.128delGinsCA pathogenic mutation, located in coding exon 1 of the CDKN1B gene, results from the deletion of one nucleotide and insertion of two nucleotides at position c.128, causing a translational frameshift with a predicted alternate stop codon (p.R43Pfs*82). This alteration is expected to result in loss of function by premature protein truncation or nonsense-mediated mRNA decay. As such, this alteration is interpreted as a disease-causing mutation.

NM_004064.5(CDKN1B):c.128delinsCA (p.Arg43fs)

Gene: CDKN1B (cyclin dependent kinase inhibitor 1B; plus strand). Cytogenetic location: 12p13.1.
Variant type: Indel.
Coding change: c.128delinsCA on transcript NM_004064.5 (MANE Select); coding-DNA position 128, G replaced by CA.
Protein change: p.Arg43fs; shifts the reading frame from arginine 43.
Molecular consequence: frameshift variant.
Genome position (GRCh38, 1-based): chr12:12,717,967, G replaced by CA. VCF-style: chr12-12717967-G-CA. GRCh37 (hg19) VCF-style: chr12-12870901-G-CA.
Other names: short protein forms R43fs.
Identifiers: ClinVar variation 1769065 (VCV001769065.2), dbSNP rs2497404197, ClinGen allele CA2580085168.